The following is an entry in ClinVar:

NM_016628.5(WAC):c.1165+2T>C

Gene: WAC (WW domain containing adaptor with coiled-coil; plus strand). Cytogenetic location: 10p12.1.
Variant type: single nucleotide variant.
Coding change: c.1165+2T>C on transcript NM_016628.5 (MANE Select); the canonical splice donor site of the intron after coding-DNA position 1165, T replaced by C.
Molecular consequence: splice donor variant.
Genome position (GRCh38, 1-based): chr10:28,608,433, T>C. VCF-style: chr10-28608433-T-C. GRCh37 (hg19) VCF-style: chr10-28897362-T-C.
Other names: c.1030+2T>C (NM_100264.3); c.856+2T>C (NM_100486.4).
Identifiers: ClinVar variation 3383409 (VCV003383409.2).
Genomic context (GRCh38, chr10:28,608,433, plus strand): 5'-TTTGCAAGCCACGCTGCAGCTTAATAATTCTAATGTGGACATATCTAAAATAAATGAAGG[T>C]AAATCTTCATAACAGTTTTTTAAAAATTTATTTGCATTGTGCAAAGTTATGTAAGTAGTA-3'

ClinVar aggregate classification (germline): Pathogenic (1 of 4 stars; one submission).

Submission:

Centre of Medical Genetics, University Hospital Muenster
Classification: Pathogenic. Last evaluated: 2024-04-03. Review status: criteria provided, single submitter. Criteria: ACMG Guidelines, 2015. Collection method: clinical testing. Allele origin: de novo. Affected: yes. Observed: 1 variant allele, 1 heterozygote.
Comment: ACMG categories: PVS1,PS2,PM2